The following is an entry in ClinVar:

NM_145290.4(ADGRA3):c.181G>A (p.Gly61Ser)

Gene: ADGRA3 (adhesion G protein-coupled receptor A3; minus strand). Cytogenetic location: 4p15.2.
Variant type: single nucleotide variant.
Coding change: c.181G>A on transcript NM_145290.4 (MANE Select); coding-DNA position 181, G replaced by A.
Protein change: p.Gly61Ser; replaces glycine 61 with serine.
Molecular consequence: missense variant.
Genome position (GRCh38, 1-based): chr4:22,515,604, C>T on the plus strand (G>A on the coding strand, the complement: ADGRA3 is on the minus strand). VCF-style: chr4-22515604-C-T. GRCh37 (hg19) VCF-style: chr4-22517227-C-T.
Other names: short protein forms G61S.
Identifiers: ClinVar variation 2993391 (VCV002993391.3), dbSNP rs2474931541, ClinGen allele CA356507700.

ClinVar aggregate classification (germline): Uncertain significance (1 of 4 stars; one submission).

Submission:

Labcorp Genetics (formerly Invitae), Labcorp
Classification: Uncertain significance. Last evaluated: 2023-08-16. Review status: criteria provided, single submitter. Criteria: Invitae Variant Classification Sherloc (09022015). Collection method: clinical testing. Allele origin: germline.
Comment: In summary, the available evidence is currently insufficient to determine the role of this variant in disease. Therefore, it has been classified as a Variant of Uncertain Significance. Algorithms developed to predict the effect of missense changes on protein structure and function output the following: SIFT: "Not Available"; PolyPhen-2: "Probably Damaging"; Align-GVGD: "Not Available". The serine amino acid residue is found in multiple mammalian species, which suggests that this missense change does not adversely affect protein function. This variant has not been reported in the literature in individuals affected with ADGRA3-related conditions. This variant is not present in population databases (gnomAD no frequency). This sequence change replaces glycine, which is neutral and non-polar, with serine, which is neutral and polar, at codon 61 of the ADGRA3 protein (p.Gly61Ser).